The following is an entry in ClinVar:

ClinVar aggregate classification (germline): Pathogenic. Review status: criteria provided, multiple submitters, no conflicts (2 of 4 stars). 6 submissions from 6 submitters: Pathogenic (4). 2 of the submissions do not count toward it. Last evaluated 2025-09-16.

Conditions:
Malignant hyperthermia, susceptibility to, 1 (MHS1). Also called: Anesthesia related hyperthermia; Malignant hyperpyrexia; Fulminating hyperpyrexia; Pharmacogenic myopathy; RYR1-Related Malignant Hyperthermia Susceptibility; Malignant hyperthermia suceptibility 1. Identifiers: Orphanet 423, MedGen C2930980, MONDO:0007783, OMIM 145600.
King Denborough syndrome (KDS). Identifiers: MedGen C1840365, MONDO:0020485, OMIM 619542.
Congenital multicore myopathy with external ophthalmoplegia (CMYO1B). Also called: MULTIMINICORE DISEASE WITH EXTERNAL OPHTHALMOPLEGIA; MULTICORE MYOPATHY; Minicore myopathy with external ophthalmoplegia; Congenital myopathy 1B, autosomal recessive; Minicore myopathy. Identifiers: Orphanet 598, Orphanet 98905, MedGen C1850674, MONDO:0009712, OMIM 255320, HP:0003789.
Central core myopathy (CMYO1A). Also called: CONGENITAL MYOPATHY 1A, AUTOSOMAL DOMINANT, WITH SUSCEPTIBILITY TO MALIGNANT HYPERTHERMIA; Central core disease; Myopathy, central fibrillar. Identifiers: Orphanet 597, MedGen C5830701, MONDO:0007294, OMIM 117000.
RYR1-related disorder. Also called: RYR1-related disorders; RYR1-related condition. Identifiers: MedGen CN239331.

Allele frequency attached by ClinVar (database versions not stated): gnomAD below 0.00001 and 0.00001; gnomAD exomes below 0.00001 and 0.00001; TOPMed below 0.00001.
gnomAD v4.1: 5 of 1,613,914 alleles (0.00031%); highest among the groups gnomAD compares: South Asian, 0.0011%; no homozygotes.

Submissions (6):

GeneDx
Classification: Pathogenic. Last evaluated: 2025-09-16. Review status: criteria provided, single submitter. Criteria: GeneDx Variant Classification Process June 2021. Collection method: clinical testing. Allele origin: germline. Affected: yes.
Comment: Observed with another RYR1 variant in an individual with congenital muscular dystrophy in published literature (PMID: 27854218); Nonsense variant predicted to result in protein truncation or nonsense mediated decay in a gene for which loss of function is a known mechanism of disease; Not observed at significant frequency in large population cohorts (gnomAD); This variant is associated with the following publications: (PMID: 27854218)

Revvity Omics, Revvity
Classification: Pathogenic. Last evaluated: 2025-08-07. Review status: criteria provided, single submitter. Criteria: ACMG Guidelines, 2015. Collection method: clinical testing. Allele origin: germline.

Fulgent Genetics
Classification: Pathogenic for Central core myopathy; Malignant hyperthermia, susceptibility to, 1; Congenital multicore myopathy with external ophthalmoplegia; King Denborough syndrome. Last evaluated: 2024-06-19. Review status: criteria provided, single submitter. Criteria: ACMG Guidelines, 2015. Collection method: clinical testing. Allele origin: germline.

Labcorp Genetics (formerly Invitae), Labcorp
Classification: Pathogenic for RYR1-related disorder. Last evaluated: 2023-01-28. Review status: criteria provided, single submitter. Criteria: Invitae Variant Classification Sherloc (09022015). Collection method: clinical testing. Allele origin: germline.
Comment: ClinVar contains an entry for this variant (Variation ID: 242414). This premature translational stop signal has been observed in individual(s) with congenital muscular dystrophy (PMID: 27854218). This variant is present in population databases (no rsID available, gnomAD 0.0009%). This sequence change creates a premature translational stop signal (p.Gln677*) in the RYR1 gene. It is expected to result in an absent or disrupted protein product. Loss-of-function variants in RYR1 are known to be pathogenic (PMID: 20583297, 20839240, 23919265, 28818389). For these reasons, this variant has been classified as Pathogenic.

PreventionGenetics, part of Exact Sciences
Classification: Pathogenic for RYR1-related condition. Last evaluated: 2024-01-31. Review status: no assertion criteria provided. Collection method: clinical testing. Allele origin: germline. Not counted in ClinVar's aggregate classification.
Comment: The RYR1 c.2029C>T variant is predicted to result in premature protein termination (p.Gln677*). This variant, along with a missense variant in RYR1, were reported in the compound heterozygous state in an individual with congenital muscular dystrophy (#11, Punetha et al. 2016. PubMed ID: 27854218). This variant is reported in one allele out of ~251,000 alleles in the gnomAD database. Loss of function variants, including frameshift, splicing, and nonsense variants have only been observed for the autosomal recessive myopathy phenotype and are expected to be pathogenic for this phenotype. Loss of function variants are not established for autosomal dominant malignant hyperthermia. Taken together, this variant is interpreted as pathogenic for autosomal recessive RYR1-related disorders and interpreted as uncertain for autosomal dominant malignant hyperthermia.

Color Diagnostics, LLC DBA Color Health
Classification: Uncertain significance for Malignant hyperthermia, susceptibility to, 1. Last evaluated: 2025-07-25. Review status: flagged submission. Criteria: ACMG Guidelines, 2015. Collection method: clinical testing. Allele origin: germline. Not counted in ClinVar's aggregate classification.
Comment: This pathogenicity assessment is for autosomal dominant malignant hyperthermia susceptibility phenotype. This nonsense variant is predicted to result in an absent RYR1 protein product. Loss of RYR1 function due to haploinsufficiency is associated with congenital myopathy, but it is not an established disease mechanism for autosomal dominant malignant hyperthermia susceptibility. Therefore, this variant is classified as a Variant of Uncertain Significance for malignant hyperthermia susceptibility.
ClinVar note: Reason: Outlier claim with insufficient supporting evidence

Literature cited by the submitters: PubMed 27854218 (cited by Labcorp Genetics (formerly Invitae), Labcorp); PubMed 20583297 (cited by Labcorp Genetics (formerly Invitae), Labcorp); PubMed 20839240 (cited by Labcorp Genetics (formerly Invitae), Labcorp); PubMed 23919265 (cited by Labcorp Genetics (formerly Invitae), Labcorp); PubMed 28818389 (cited by Labcorp Genetics (formerly Invitae), Labcorp).

NM_000540.3(RYR1):c.2029C>T (p.Gln677Ter)

Gene: RYR1 (ryanodine receptor 1; plus strand). Cytogenetic location: 19q13.2.
Variant type: single nucleotide variant.
Coding change: c.2029C>T on transcript NM_000540.3 (MANE Select); coding-DNA position 2029, C replaced by T.
Protein change: p.Gln677Ter; replaces glutamine 677 with a stop codon.
Molecular consequence: nonsense.
Genome position (GRCh38, 1-based): chr19:38,458,154, C>T. VCF-style: chr19-38458154-C-T. GRCh37 (hg19) VCF-style: chr19-38948794-C-T.
Other names: c.2029C>T, p.Gln677Ter (NM_001042723.2); short protein forms Q677*.
Identifiers: ClinVar variation 242414 (VCV000242414.20), dbSNP rs878854365, ClinGen allele CA16616833.